The following is an entry in ClinVar:

ClinVar aggregate classification (germline): Uncertain significance. Review status: criteria provided, multiple submitters, no conflicts (2 of 4 stars). 2 submissions from 2 submitters: Uncertain significance (2). Last evaluated 2025-10-24.

Conditions:
Inborn genetic diseases. Identifiers: MedGen C0950123, MeSH D030342.

Allele frequency attached by ClinVar (database versions not stated): gnomAD 0.00003; TOPMed 0.00004.
gnomAD v4.1: 5 of 1,614,048 alleles (0.00031%); highest among the groups gnomAD compares: Admixed American, 0.0067%; no homozygotes.

Submissions (2):

Ambry Genetics
Classification: Uncertain significance for Inborn genetic diseases. Last evaluated: 2025-10-24. Review status: criteria provided, single submitter. Criteria: Ambry Variant Classification Scheme 2023. Collection method: clinical testing. Allele origin: germline.

Labcorp Genetics (formerly Invitae), Labcorp
Classification: Uncertain significance. Last evaluated: 2024-04-10. Review status: criteria provided, single submitter. Criteria: Invitae Variant Classification Sherloc (09022015). Collection method: clinical testing. Allele origin: germline.
Comment: This sequence change replaces tryptophan, which is neutral and slightly polar, with glycine, which is neutral and non-polar, at codon 546 of the UNC45A protein (p.Trp546Gly). This variant is present in population databases (no rsID available, gnomAD 0.003%). This variant has not been reported in the literature in individuals affected with UNC45A-related conditions. ClinVar contains an entry for this variant (Variation ID: 2174338). Advanced modeling of protein sequence and biophysical properties (such as structural, functional, and spatial information, amino acid conservation, physicochemical variation, residue mobility, and thermodynamic stability) performed at Invitae indicates that this missense variant is expected to disrupt UNC45A protein function with a positive predictive value of 80%. In summary, the available evidence is currently insufficient to determine the role of this variant in disease. Therefore, it has been classified as a Variant of Uncertain Significance.

NM_018671.5(UNC45A):c.1636T>G (p.Trp546Gly)

Gene: UNC45A (unc-45 myosin chaperone A; plus strand). Cytogenetic location: 15q26.1.
Variant type: single nucleotide variant.
Coding change: c.1636T>G on transcript NM_018671.5 (MANE Select); coding-DNA position 1636, T replaced by G.
Protein change: p.Trp546Gly; replaces tryptophan 546 with glycine.
Molecular consequence: missense variant.
Genome position (GRCh38, 1-based): chr15:90,948,182, T>G. VCF-style: chr15-90948182-T-G. GRCh37 (hg19) VCF-style: chr15-91491412-T-G.
Other names: c.1636T>G (NM_018671.3); c.1591T>G, p.Trp531Gly (NM_001039675.2, NM_001323621.2); c.1636T>G, p.Trp546Gly (NM_001323619.1); c.1201T>G, p.Trp401Gly (NM_001323620.2); short protein forms W401G, W546G, W531G.
Identifiers: ClinVar variation 2174338 (VCV002174338.4), dbSNP rs886247854, ClinGen allele CA274749510.